The following is an entry in ClinVar:

ClinVar aggregate classification (germline): Uncertain significance (1 of 4 stars; one submission).

Conditions:
Duchenne muscular dystrophy (DMD). Also called: MUSCULAR DYSTROPHY, PSEUDOHYPERTROPHIC PROGRESSIVE, DUCHENNE TYPE; Duchenne Muscular Dystrophy (DMD). Identifiers: Orphanet 98896, MedGen C0013264, MONDO:0010679, OMIM 310200.

gnomAD v4.1: 1 of 1,211,374 alleles (0.000083%); highest among the groups gnomAD compares: Non-Finnish European, 0.00011%; no homozygotes.

Submission:

Labcorp Genetics (formerly Invitae), Labcorp
Classification: Uncertain significance for Duchenne muscular dystrophy. Last evaluated: 2024-06-23. Review status: criteria provided, single submitter. Criteria: Invitae Variant Classification Sherloc (09022015). Collection method: clinical testing. Allele origin: germline.
Comment: This sequence change replaces cysteine, which is neutral and slightly polar, with serine, which is neutral and polar, at codon 3178 of the DMD protein (p.Cys3178Ser). This variant is not present in population databases (gnomAD no frequency). This variant has not been reported in the literature in individuals affected with DMD-related conditions. Advanced modeling of protein sequence and biophysical properties (such as structural, functional, and spatial information, amino acid conservation, physicochemical variation, residue mobility, and thermodynamic stability) performed at Invitae indicates that this missense variant is not expected to disrupt DMD protein function with a negative predictive value of 95%. In summary, the available evidence is currently insufficient to determine the role of this variant in disease. Therefore, it has been classified as a Variant of Uncertain Significance.

NM_004006.3(DMD):c.9532T>A (p.Cys3178Ser)

Gene: DMD (dystrophin; minus strand). Cytogenetic location: Xp21.2.
Variant type: single nucleotide variant.
Coding change: c.9532T>A on transcript NM_004006.3 (MANE Select); coding-DNA position 9532, T replaced by A.
Protein change: p.Cys3178Ser; replaces cysteine 3178 with serine.
Molecular consequence: missense variant.
Genome position (GRCh38, 1-based): chrX:31,209,529, A>T on the plus strand (T>A on the coding strand, the complement: DMD is on the minus strand). VCF-style: chrX-31209529-A-T. GRCh37 (hg19) VCF-style: chrX-31227646-A-T.
Other names: c.9508T>A, p.Cys3170Ser (NM_000109.4); c.9520T>A, p.Cys3174Ser (NM_004009.3); c.9163T>A, p.Cys3055Ser (NM_004010.3); c.5509T>A, p.Cys1837Ser (NM_004011.4); c.5500T>A, p.Cys1834Ser (NM_004012.4); c.2152T>A, p.Cys718Ser (NM_004013.3, NM_004020.4, NM_004021.3 and 2 more transcripts); c.1345T>A, p.Cys449Ser (NM_004014.3); c.328T>A, p.Cys110Ser (NM_004015.3, NM_004016.3, NM_004017.3 and 2 more transcripts); short protein forms C3174S, C3178S, C3055S, C110S, C449S, C1834S, C1837S, C3170S.
Identifiers: ClinVar variation 3634791 (VCV003634791.2).